The following is an entry in ClinVar:

ClinVar aggregate classification (germline): Uncertain significance. Review status: criteria provided, multiple submitters, no conflicts (2 of 4 stars). 2 submissions from 2 submitters: Uncertain significance (2). Last evaluated 2024-12-08.

Conditions:
Fanconi anemia (FA). Also called: Fanconi's anemia. Identifiers: Orphanet 84, MedGen C0015625, MeSH D005199, MONDO:0019391.
Inborn genetic diseases. Identifiers: MedGen C0950123, MeSH D030342.

Submissions (2):

Ambry Genetics
Classification: Uncertain significance for Inborn genetic diseases. Last evaluated: 2024-12-08. Review status: criteria provided, single submitter. Criteria: Ambry Variant Classification Scheme 2023. Collection method: clinical testing. Allele origin: germline.
Comment: The p.S935I variant (also known as c.2804G>T), located in coding exon 14 of the FANCM gene, results from a G to T substitution at nucleotide position 2804. The serine at codon 935 is replaced by isoleucine, an amino acid with dissimilar properties. This amino acid position is conserved. In addition, this alteration is predicted to be tolerated by in silico analysis. Based on the available evidence, the clinical significance of this variant remains unclear.

Labcorp Genetics (formerly Invitae), Labcorp
Classification: Uncertain significance for Fanconi anemia. Last evaluated: 2022-08-23. Review status: criteria provided, single submitter. Criteria: Invitae Variant Classification Sherloc (09022015). Collection method: clinical testing. Allele origin: germline.
Comment: This sequence change replaces serine, which is neutral and polar, with isoleucine, which is neutral and non-polar, at codon 935 of the FANCM protein (p.Ser935Ile). This variant is not present in population databases (gnomAD no frequency). This variant has not been reported in the literature in individuals affected with FANCM-related conditions. ClinVar contains an entry for this variant (Variation ID: 852551). Algorithms developed to predict the effect of missense changes on protein structure and function are either unavailable or do not agree on the potential impact of this missense change (SIFT: "Deleterious"; PolyPhen-2: "Benign"; Align-GVGD: "Class C0"). In summary, the available evidence is currently insufficient to determine the role of this variant in disease. Therefore, it has been classified as a Variant of Uncertain Significance.

NM_020937.4(FANCM):c.2804G>T (p.Ser935Ile)

Gene: FANCM (FA complementation group M; plus strand). Cytogenetic location: 14q21.2.
Variant type: single nucleotide variant.
Coding change: c.2804G>T on transcript NM_020937.4 (MANE Select); coding-DNA position 2804, G replaced by T.
Protein change: p.Ser935Ile; replaces serine 935 with isoleucine.
Molecular consequence: missense variant.
Genome position (GRCh38, 1-based): chr14:45,175,558, G>T. VCF-style: chr14-45175558-G-T. GRCh37 (hg19) VCF-style: chr14-45644761-G-T.
Other names: c.2726G>T, p.Ser909Ile (NM_001308133.2); short protein forms S909I, S935I.
Identifiers: ClinVar variation 852551 (VCV000852551.10), dbSNP rs1888621670, ClinGen allele CA389599215.